The following is an entry in ClinVar:

NM_001388453.1(QRICH2):c.2406G>C (p.Val802=)

Gene: QRICH2 (glutamine rich 2; minus strand). Cytogenetic location: 17q25.1.
Variant type: single nucleotide variant.
Coding change: c.2406G>C on transcript NM_001388453.1 (MANE Select); coding-DNA position 2406, G replaced by C.
Protein change: p.Val802=; no amino-acid change (valine 802 retained).
Molecular consequence: synonymous variant.
Genome position (GRCh38, 1-based): chr17:76,292,321, C>G on the plus strand (G>C on the coding strand, the complement: QRICH2 is on the minus strand). VCF-style: chr17-76292321-C-G. GRCh37 (hg19) VCF-style: chr17-74288402-C-G.
Other names: c.2406G>C, p.Val802= (NM_032134.3).
Identifiers: ClinVar variation 4820876 (VCV004820876.4).

ClinVar aggregate classification (germline): Likely benign (1 of 4 stars; one submission).

Submission:

CeGaT Center for Human Genetics Tuebingen
Classification: Likely benign. Last evaluated: 2026-02-01. Review status: criteria provided, single submitter. Criteria: CeGaT Center For Human Genetics Tuebingen Variant Classification Criteria Version 2. Collection method: clinical testing. Allele origin: germline. Affected: yes. Observed: 1 variant allele.
Comment: QRICH2: BP4, BP7